The following is an entry in ClinVar:

ClinVar aggregate classification (germline): Benign. Review status: criteria provided, multiple submitters, no conflicts (2 of 4 stars). 2 submissions from 2 submitters: Benign (2). Last evaluated 2018-06-16.

Allele frequency attached by ClinVar (database versions not stated): 1000 Genomes Project 0.21306; gnomAD exomes 0.21692; 1000 Genomes Project 30x 0.21830; TOPMed 0.24958; gnomAD 0.31298 and 0.31798.
gnomAD v4.1: 116,143 of 482,324 alleles (24%); highest among the groups gnomAD compares: African/African-American, 56%; 13,474 homozygotes.

Submissions (2):

GeneDx
Classification: Benign. Last evaluated: 2018-06-16. Review status: criteria provided, single submitter. Criteria: GeneDx Variant Classification (06012015). Collection method: clinical testing. Allele origin: germline. Affected: yes.
Comment: This variant is considered likely benign or benign based on one or more of the following criteria: it is a conservative change, it occurs at a poorly conserved position in the protein, it is predicted to be benign by multiple in silico algorithms, and/or has population frequency not consistent with disease.

Breakthrough Genomics
Classification: Benign. Review status: criteria provided, single submitter. Criteria: ACMG Guidelines, 2015. Collection method: not provided. Allele origin: germline. Inheritance: Autosomal recessive inheritance. Affected: yes.

NM_001853.4(COL9A3):c.1324-188C>T

Gene: COL9A3 (collagen type IX alpha 3 chain; plus strand). Cytogenetic location: 20q13.33.
Variant type: single nucleotide variant.
Coding change: c.1324-188C>T on transcript NM_001853.4 (MANE Select); 188 bases into the intron before coding-DNA position 1324, C replaced by T.
Molecular consequence: intron variant.
Genome position (GRCh38, 1-based): chr20:62,832,832, C>T. VCF-style: chr20-62832832-C-T. GRCh37 (hg19) VCF-style: chr20-61464184-C-T.
Identifiers: ClinVar variation 678469 (VCV000678469.2), dbSNP rs1018439, ClinGen allele CA14765350.
Genomic context (GRCh38, chr20:62,832,832, plus strand): 5'-GTTCTGCTTGGCAGAAAAGCCTCATTATGCAAACAAATGTCTTCCGTTTTTTGGCCCCGC[C>T]CCTGCCTGCAGGTCTCCCAAGGGCTGTGTTTGGAGCGGGTTAAAAGGCAGCCCTGGGGCC-3'